The following is an entry in ClinVar:

NM_020987.5(ANK3):c.1642G>A (p.Ala548Thr)

Gene: ANK3 (ankyrin 3; minus strand). Cytogenetic location: 10q21.2.
Variant type: single nucleotide variant.
Coding change: c.1642G>A on transcript NM_020987.5 (MANE Select); coding-DNA position 1642, G replaced by A.
Protein change: p.Ala548Thr; replaces alanine 548 with threonine.
Molecular consequence: missense variant.
Genome position (GRCh38, 1-based): chr10:60,198,387, C>T on the plus strand (G>A on the coding strand, the complement: ANK3 is on the minus strand). VCF-style: chr10-60198387-C-T. GRCh37 (hg19) VCF-style: chr10-61958145-C-T.
Other names: c.1624G>A, p.Ala542Thr (NM_001204403.2); c.1591G>A, p.Ala531Thr (NM_001204404.2); c.1642G>A, p.Ala548Thr (NM_001320874.2); short protein forms A531T, A542T, A548T.
Identifiers: ClinVar variation 3377515 (VCV003377515.1).
Genomic context (GRCh38, chr10:60,198,387, plus strand): 5'-TTTGCTTTCATACCTTTGTTGTTATAGATAAAGACGCTCCATGATCCAAAAGGAACGCGG[C>T]CACATCCTCATGCCCCTCTCGGGCGGAAAGGTGAAGTGGGGTGTACCCAGAAGTTGTGGC-3'
Protein context (NP_066267.2, residues 538-558): LSAREGHEDV[Ala548Thr]AFLLDHGASL

ClinVar aggregate classification (germline): Uncertain significance (1 of 4 stars; one submission).

Conditions:
Intellectual developmental disorder, autosomal recessive 37. Also called: Intellectual disability-hypotonia-spasticity-sleep disorder syndrome. Identifiers: Orphanet 356996, MedGen C3809672, MONDO:0014210, OMIM 615493.

Submission:

Victorian Clinical Genetics Services, Murdoch Childrens Research Institute
Classification: Uncertain significance for Intellectual developmental disorder, autosomal recessive 37. Last evaluated: 2022-06-24. Review status: criteria provided, single submitter. Criteria: ACMG Guidelines, 2015. Collection method: clinical testing. Allele origin: germline. Affected: yes.
Comment: Based on the classification scheme VCGS_Germline_v1.3.4, this variant is classified as VUS-3A. Following criteria are met: 0102 - Loss of function is a known mechanism of disease in this gene and is associated with intellectual developmental disorder 37 (MIM#615493). (I) 0108 - This gene is associated with both recessive and dominant disease (PMID: 23390136, 26539891, 28687526, 34218362). (I) 0200 - Variant is predicted to result in a missense amino acid change from alanine to threonine. (I) 0251 - This variant is heterozygous. (I) 0304 - Variant is present in gnomAD (v2) <0.01 for a condition (1 heterozygote, 0 homozygotes). (SP) 0502 - Missense variant with conflicting in silico predictions and uninformative conservation. (I) 0600 - Variant is located in the annotated Ankyrin repeats (DECIPHER). (I) 0705 - No comparable missense variants have previous evidence for pathogenicity. (I) 0807 - This variant has no previous evidence of pathogenicity. (I) 0905 - No published segregation evidence has been identified for this variant. (I) 1007 - No published functional evidence has been identified for this variant. (SP) Legend: (SP) - Supporting pathogenic, (I) - Information, (SB) - Supporting benign

Literature cited by the submitters: PubMed 23390136; PubMed 26539891; PubMed 28687526; PubMed 34218362.